The following is an entry in ClinVar:

ClinVar aggregate classification (germline): Pathogenic (1 of 4 stars; one submission).

Conditions:
Hypogonadotropic hypogonadism 1 with or without anosmia (HH1). Also called: Kallmann syndrome, type 1, X-linked; DYSPLASIA OLFACTOGENITALIS OF DE MORSIER; HYPOGONADOTROPIC HYPOGONADISM 1 WITH ANOSMIA; HYPOGONADOTROPIC HYPOGONADISM AND ANOSMIA; KAL1-Related GnRH Deficiency (Kallmann Syndrome 1; Kallmann Syndrome, X-Linked); Hypogonadotropic hypogonadism 1 with or without anosmia (Kallmann syndrome 1). Identifiers: Orphanet 478, MedGen C1563719, MONDO:0010635, OMIM 308700. Disease mechanism: loss of function.

Submission:

Labcorp Genetics (formerly Invitae), Labcorp
Classification: Pathogenic for Hypogonadotropic hypogonadism 1 with or without anosmia. Last evaluated: 2022-04-09. Review status: criteria provided, single submitter. Criteria: Invitae Variant Classification Sherloc (09022015). Collection method: clinical testing. Allele origin: germline.
Comment: This sequence change affects a donor splice site in intron 7 of the ANOS1 gene. It is expected to disrupt RNA splicing. Variants that disrupt the donor or acceptor splice site typically lead to a loss of protein function (PMID: 16199547), and loss-of-function variants in ANOS1 are known to be pathogenic (PMID: 8504298, 11297579). This variant is not present in population databases (gnomAD no frequency). Disruption of this splice site has been observed in individuals with Kallmann syndrome (PMID: 16882753, 31200363). Algorithms developed to predict the effect of sequence changes on RNA splicing suggest that this variant may disrupt the consensus splice site. For these reasons, this variant has been classified as Pathogenic.

Literature cited by the submitters: PubMed 16199547; PubMed 8504298; PubMed 11297579; PubMed 16882753; PubMed 31200363.

NM_000216.4(ANOS1):c.1062+1G>C

Gene: ANOS1 (anosmin 1; minus strand). Cytogenetic location: Xp22.31.
Variant type: single nucleotide variant.
Coding change: c.1062+1G>C on transcript NM_000216.4 (MANE Select); the canonical splice donor site of the intron after coding-DNA position 1062, G replaced by C.
Molecular consequence: splice donor variant.
Genome position (GRCh38, 1-based): chrX:8,570,498, C>G on the plus strand (G>C on the coding strand, the complement: ANOS1 is on the minus strand). VCF-style: chrX-8570498-C-G. GRCh37 (hg19) VCF-style: chrX-8538539-C-G.
Identifiers: ClinVar variation 2066557 (VCV002066557.4), dbSNP rs387906427, ClinGen allele CA411995307.